The following is an entry in ClinVar:

ClinVar aggregate classification (germline): Uncertain significance (1 of 4 stars; one submission).

Allele frequency attached by ClinVar (database versions not stated): gnomAD exomes below 0.00001; TOPMed 0.00001.
gnomAD v4.1: 3 of 1,612,838 alleles (0.00019%); highest among the groups gnomAD compares: South Asian, 0.0011%; no homozygotes.

Submission:

Labcorp Genetics (formerly Invitae), Labcorp
Classification: Uncertain significance. Last evaluated: 2023-06-15. Review status: criteria provided, single submitter. Criteria: Invitae Variant Classification Sherloc (09022015). Collection method: clinical testing. Allele origin: germline.
Comment: This sequence change replaces lysine, which is basic and polar, with asparagine, which is neutral and polar, at codon 319 of the ASCC1 protein (p.Lys319Asn). This variant also falls at the last nucleotide of exon 9, which is part of the consensus splice site for this exon. In summary, the available evidence is currently insufficient to determine the role of this variant in disease. Therefore, it has been classified as a Variant of Uncertain Significance. Variants that disrupt the consensus splice site are a relatively common cause of aberrant splicing (PMID: 17576681, 9536098). Algorithms developed to predict the effect of sequence changes on RNA splicing suggest that this variant may disrupt the consensus splice site. An algorithm developed to predict the effect of missense changes on protein structure and function (PolyPhen-2) suggests that this variant is likely to be tolerated. This variant has not been reported in the literature in individuals affected with ASCC1-related conditions. This variant is not present in population databases (gnomAD no frequency).

Literature cited by the submitters: PubMed 17576681; PubMed 9536098.

NM_001198800.3(ASCC1):c.957G>C (p.Lys319Asn)

Gene: ASCC1 (activating signal cointegrator 1 complex subunit 1; minus strand). Cytogenetic location: 10q22.1.
Variant type: single nucleotide variant.
Coding change: c.957G>C on transcript NM_001198800.3 (MANE Select); coding-DNA position 957, G replaced by C.
Protein change: p.Lys319Asn; replaces lysine 319 with asparagine.
Molecular consequence: missense variant. On other transcripts: intron variant (3), non-coding transcript variant (1).
Genome position (GRCh38, 1-based): chr10:72,128,082, C>G on the plus strand (G>C on the coding strand, the complement: ASCC1 is on the minus strand). VCF-style: chr10-72128082-C-G. GRCh37 (hg19) VCF-style: chr10-73887840-C-G.
Other names: c.840G>C, p.Lys280Asn (NM_001369101.1, NM_001369102.1, NM_001369107.1 and 2 more transcripts); c.871+4975G>C (NM_001369111.1, NM_001369110.1); c.837G>C, p.Lys279Asn (NM_001369109.1, NM_001369103.1, NM_001369104.1 and 2 more transcripts); c.751+4975G>C (NM_001369112.1); c.957G>C, p.Lys319Asn (NM_001198798.2, NM_001369087.1, NM_001369088.1 and 10 more transcripts); c.1041G>C, p.Lys347Asn (NM_001198799.3); c.1023G>C, p.Lys341Asn (NM_001369085.1, NM_001369086.1); c.903G>C, p.Lys301Asn (NM_001369099.1); short protein forms K319N, K341N, K279N, K280N, K347N, K301N.
Identifiers: ClinVar variation 2803376 (VCV002803376.3), dbSNP rs1845101708, ClinGen allele CA377162528.